The following is an entry in ClinVar:

ClinVar aggregate classification (germline): Pathogenic/Likely pathogenic. Review status: criteria provided, multiple submitters, no conflicts (2 of 4 stars). 5 submissions from 5 submitters: Pathogenic (2); Likely pathogenic (3). Last evaluated 2025-12-04.

Conditions:
Hereditary cancer-predisposing syndrome. Also called: Tumor predisposition; Hereditary Cancer Syndrome; Neoplastic Syndromes, Hereditary; Hereditary neoplastic syndrome. Identifiers: Orphanet 140162, MedGen C0027672, MeSH D009386, MONDO:0015356.
Peutz-Jeghers syndrome (PJS). Also called: POLYPOSIS, HAMARTOMATOUS INTESTINAL; POLYPS-AND-SPOTS SYNDROME; Peutz-Jeghers polyposis; Periorificial lentiginosis syndrome. Identifiers: Orphanet 2869, MedGen C0031269, MeSH D010580, MONDO:0008280, OMIM 175200.

Submissions (5):

Ambry Genetics
Classification: Pathogenic for Hereditary cancer-predisposing syndrome. Last evaluated: 2025-12-04. Review status: criteria provided, single submitter. Criteria: Ambry Variant Classification Scheme 2023. Collection method: clinical testing. Allele origin: germline.
Comment: The p.N181S pathogenic mutation (also known as c.542A>G), located in coding exon 4 of the STK11 gene, results from an A to G substitution at nucleotide position 542. The asparagine at codon 181 is replaced by serine, an amino acid with highly similar properties. This alteration was identified in two first-degree relatives from a family suspected of having Peutz-Jeghers syndrome (Ambry internal data). Based on an internal structural assessment, this alteration disrupts the Mg-ATP binding in the active site of STK11 (Zeqiraj E et al. Science. 2009 Dec;326:1707-11; Gerlits O et al. Biochemistry. 2013 May;52:3721-7). Other alterations at the same codon (p.N181K, p.N181Y, p.N181T, p.N181E) have also been identified in individuals either diagnosed with or suspected to have Peutz-Jeghers syndrome (Ambry internal data; Ylikorkala A et al. Hum. Mol. Genet. 1999 Jan;8:45-51; Connolly DC et al. Am. J. Pathol. 2000 Jan;156:339-45; Amos CI et al. J. Med. Genet. 2004 May;41:327-33). This variant was not reported in population-based cohorts in the Genome Aggregation Database (gnomAD). Based on the supporting evidence, this alteration is interpreted as a disease-causing mutation.

Genome-Nilou Lab
Classification: Likely pathogenic for Peutz-Jeghers syndrome. Last evaluated: 2021-07-15. Review status: criteria provided, single submitter. Criteria: ACMG Guidelines, 2015. Collection method: clinical testing. Allele origin: germline. Affected: no.

Color Diagnostics, LLC DBA Color Health
Classification: Likely pathogenic for Hereditary cancer-predisposing syndrome. Last evaluated: 2020-02-06. Review status: criteria provided, single submitter. Criteria: ACMG Guidelines, 2015. Collection method: clinical testing. Allele origin: germline.
Comment: This missense variant replaces asparagine with serine at codon 181 in the active site of the kinase domain of the STK11 protein. Computational prediction suggests that this variant may have deleterious impact on protein structure and function (internally defined REVEL score threshold >= 0.7, PMID: 27666373). To our knowledge, functional studies have not been performed for this variant. This variant has been reported by an external laboratory to be de novo in an individual with features consistent with Peutz-Jeghers syndrome (Clinvar variation ID: 254654). Multiple different amino acid substitutions occurring at this position, p.Asn181Lys, p.Asn181Glu, p.Asn181Thr, p.Asn181Ile, have been reported in individuals affected with Peutz-Jeghers syndrome, indicating that asparagine at this position is important for STK11 protein function (PMID: 9887330, 15863673, 30689838; Clinvar variation ID: 428757). This variant has not been identified in the general population by the Genome Aggregation Database (gnomAD). Based on the available evidence, this variant is classified as Likely Pathogenic.

Labcorp Genetics (formerly Invitae), Labcorp
Classification: Pathogenic for Peutz-Jeghers syndrome. Last evaluated: 2018-02-27. Review status: criteria provided, single submitter. Criteria: Invitae Variant Classification Sherloc (09022015). Collection method: clinical testing. Allele origin: germline.
Comment: ClinVar contains an entry for this variant (Variation ID: 254654). For these reasons, this variant has been classified as Pathogenic. Algorithms developed to predict the effect of missense changes on protein structure and function (SIFT, PolyPhen-2, Align-GVGD) all suggest that this variant is likely to be disruptive, but these predictions have not been confirmed by published functional studies and their clinical significance is uncertain. This variant is not present in population databases (ExAC no frequency). This sequence change replaces asparagine with serine at codon 181 of the STK11 protein (p.Asn181Ser). The asparagine residue is highly conserved and there is a small physicochemical difference between asparagine and serine.

Shenzhen Institute of Pediatrics, Shenzhen Children's Hospital
Classification: Likely pathogenic for Peutz-Jeghers syndrome. Last evaluated: 2016-08-24. Review status: criteria provided, single submitter. Criteria: ACMG Guidelines, 2015. Collection method: clinical testing. Allele origin: unknown. Inheritance: Autosomal dominant inheritance. Affected: yes. Observed: 1 variant allele, 1 heterozygote.

Literature cited by the submitters: PubMed 10623683 (cited by Ambry Genetics); PubMed 15121768 (cited by Ambry Genetics); PubMed 19892943 (cited by Ambry Genetics); PubMed 23672593 (cited by Ambry Genetics); PubMed 30689838 (cited by Ambry Genetics); PubMed 9887330 (cited by Ambry Genetics).

NM_000455.5(STK11):c.542A>G (p.Asn181Ser)

Gene: STK11 (serine/threonine kinase 11; plus strand). Cytogenetic location: 19p13.3.
Variant type: single nucleotide variant.
Coding change: c.542A>G on transcript NM_000455.5 (MANE Select); coding-DNA position 542, A replaced by G.
Protein change: p.Asn181Ser; replaces asparagine 181 with serine.
Molecular consequence: missense variant.
Genome position (GRCh38, 1-based): chr19:1,220,450, A>G. VCF-style: chr19-1220450-A-G. GRCh37 (hg19) VCF-style: chr19-1220449-A-G.
Other names: short protein forms N181S.
Identifiers: ClinVar variation 254654 (VCV000254654.20), dbSNP rs886037859, ClinGen allele CA10586687.